The following is an entry in ClinVar:

NM_001366385.1(CARD14):c.1198C>T (p.Arg400Cys)

Gene: CARD14 (caspase recruitment domain family member 14; plus strand). Cytogenetic location: 17q25.3.
Variant type: single nucleotide variant.
Coding change: c.1198C>T on transcript NM_001366385.1 (MANE Select); coding-DNA position 1198, C replaced by T.
Protein change: p.Arg400Cys; replaces arginine 400 with cysteine.
Molecular consequence: missense variant. On other transcripts: non-coding transcript variant (1).
Genome position (GRCh38, 1-based): chr17:80,191,431, C>T. VCF-style: chr17-80191431-C-T. GRCh37 (hg19) VCF-style: chr17-78165230-C-T.
Other names: c.1198C>T (NM_024110.3); c.1198C>T, p.Arg400Cys (NM_001257970.1, NM_024110.4); c.487C>T, p.Arg163Cys (NM_052819.3); short protein forms R163C, R400C.
Identifiers: ClinVar variation 1002660 (VCV001002660.10), dbSNP rs144636413, ClinGen allele CA8816704.

ClinVar aggregate classification (germline): Conflicting classifications of pathogenicity. Review status: criteria provided, conflicting classifications (1 of 4 stars). 3 submissions from 3 submitters: Uncertain significance (2); Likely benign (1). Last evaluated 2025-11-12.

Conditions:
Psoriasis 2. Identifiers: MedGen C1864497, MONDO:0011269, OMIM 602723.
Pityriasis rubra pilaris (PRP). Also called: Pityriasis rubra pilaris--familial type. Identifiers: Orphanet 2897, MedGen C0032027, MONDO:0100017, OMIM 173200, MONDO:0008251.
Inborn genetic diseases. Identifiers: MedGen C0950123, MeSH D030342.

Allele frequency attached by ClinVar (database versions not stated): gnomAD exomes 0.00005 and 0.00007; ExAC 0.00007; gnomAD 0.00023 and 0.00024; TOPMed 0.00027; ESP Exome Variant Server 0.00031; 1000 Genomes Project 0.00040; 1000 Genomes Project 30x 0.00062.

Submissions (3):

Labcorp Genetics (formerly Invitae), Labcorp
Classification: Uncertain significance for Pityriasis rubra pilaris; Psoriasis 2. Last evaluated: 2025-11-12. Review status: criteria provided, single submitter. Criteria: Invitae Variant Classification Sherloc (09022015). Collection method: clinical testing. Allele origin: germline.
Comment: This sequence change replaces arginine, which is basic and polar, with cysteine, which is neutral and slightly polar, at codon 400 of the CARD14 protein (p.Arg400Cys). This variant is present in population databases (rs144636413, gnomAD 0.07%), and has an allele count higher than expected for a pathogenic variant. This variant has not been reported in the literature in individuals affected with CARD14-related conditions. ClinVar contains an entry for this variant (Variation ID: 1002660). Invitae Evidence Modeling of protein sequence and biophysical properties (such as structural, functional, and spatial information, amino acid conservation, physicochemical variation, residue mobility, and thermodynamic stability) has been performed for this missense variant. However, the output from this modeling did not meet the statistical confidence thresholds required to predict the impact of this variant on CARD14 protein function. In summary, the available evidence is currently insufficient to determine the role of this variant in disease. Therefore, it has been classified as a Variant of Uncertain Significance.

Women's Health and Genetics/Laboratory Corporation of America, LabCorp
Classification: Likely benign. Last evaluated: 2025-03-21. Review status: criteria provided, single submitter. Criteria: LabCorp Variant Classification Summary - May 2015. Collection method: clinical testing. Allele origin: germline.
Comment: Variant summary: CARD14 c.1198C>T (p.Arg400Cys) results in a non-conservative amino acid change in the encoded protein sequence. Three of five in-silico tools predict a damaging effect of the variant on protein function. The variant allele was found at a frequency of 6.8e-05 in 250154 control chromosomes. The observed variant frequency is approximately 6.8 fold of the estimated maximal expected allele frequency for a pathogenic variant in CARD14 causing Pityriasis rubra pilaris phenotype (1e-05). To our knowledge, no occurrence of c.1198C>T in individuals affected with Pityriasis rubra pilaris and no experimental evidence demonstrating its impact on protein function have been reported. ClinVar contains an entry for this variant (Variation ID: 1002660). Based on the evidence outlined above, the variant was classified as likely benign.

Ambry Genetics
Classification: Uncertain significance for Inborn genetic diseases. Last evaluated: 2025-01-26. Review status: criteria provided, single submitter. Criteria: Ambry Variant Classification Scheme 2023. Collection method: clinical testing. Allele origin: germline.